The following is an entry in ClinVar:

NM_015102.5(NPHP4):c.3118A>G (p.Met1040Val)

Gene: NPHP4 (nephrocystin 4; minus strand). Cytogenetic location: 1p36.31.
Variant type: single nucleotide variant.
Coding change: c.3118A>G on transcript NM_015102.5 (MANE Select); coding-DNA position 3118, A replaced by G.
Protein change: p.Met1040Val; replaces methionine 1040 with valine.
Molecular consequence: missense variant. On other transcripts: non-coding transcript variant (1).
Genome position (GRCh38, 1-based): chr1:5,874,584, T>C on the plus strand (A>G on the coding strand, the complement: NPHP4 is on the minus strand). VCF-style: chr1-5874584-T-C. GRCh37 (hg19) VCF-style: chr1-5934644-T-C.
Other names: c.1579A>G, p.Met527Val (NM_001291593.2); c.1582A>G, p.Met528Val (NM_001291594.2); short protein forms M1040V, M527V, M528V.
Identifiers: ClinVar variation 286777 (VCV000286777.13), dbSNP rs777310738, ClinGen allele CA553792.
Genomic context (GRCh38, chr1:5,874,584, plus strand): 5'-GGGCGGTCTCGTGGGGGCGCAGGTAGAGCTGGGGGGCCAGGCTGCCACGCAGGTGGAACA[T>C]GTCCTCCTCCACCGGTGTGTGCAGGCCAGCAGCACCCTTGAAGTCCCTCCACTCCTGACT-3'
Protein context (NP_055917.1, residues 1030-1050): AGLHTPVEED[Met1040Val]FHLRGSLAPQ

ClinVar aggregate classification (germline): Uncertain significance. Review status: criteria provided, multiple submitters, no conflicts (2 of 4 stars). 4 submissions from 4 submitters: Uncertain significance (4). Last evaluated 2023-03-31.

Conditions:
Nephronophthisis. Also called: Juvenile Nephronophthisis. Identifiers: Orphanet 655, MedGen C0687120, MONDO:0019005, HP:0000090.
Senior-Loken syndrome 4 (SLSN4). Identifiers: Orphanet 3156, MedGen C1846979, MONDO:0011756, OMIM 606996.
Nephronophthisis 4 (NPHP4). Also called: NEPHRONOPHTHISIS 4, JUVENILE. Identifiers: Orphanet 655, MedGen C1847013, MONDO:0011752, OMIM 606966.

Allele frequency attached by ClinVar (database versions not stated): gnomAD exomes 0.00001 and 0.00002; ExAC 0.00002; TOPMed 0.00005; gnomAD 0.00006.

Submissions (4):

Blueprint Genetics
Classification: Uncertain significance. Last evaluated: 2023-03-31. Review status: criteria provided, single submitter. Criteria: ACMG Guidelines, 2015. Collection method: clinical testing. Allele origin: germline.

Labcorp Genetics (formerly Invitae), Labcorp
Classification: Uncertain significance for Nephronophthisis. Last evaluated: 2022-06-20. Review status: criteria provided, single submitter. Criteria: Invitae Variant Classification Sherloc (09022015). Collection method: clinical testing. Allele origin: germline.
Comment: This sequence change replaces methionine, which is neutral and non-polar, with valine, which is neutral and non-polar, at codon 1040 of the NPHP4 protein (p.Met1040Val). This variant is present in population databases (rs777310738, gnomAD 0.02%). This variant has not been reported in the literature in individuals affected with NPHP4-related conditions. ClinVar contains an entry for this variant (Variation ID: 286777). Algorithms developed to predict the effect of missense changes on protein structure and function are either unavailable or do not agree on the potential impact of this missense change (SIFT: "Deleterious"; PolyPhen-2: "Benign"; Align-GVGD: "Class C0"). In summary, the available evidence is currently insufficient to determine the role of this variant in disease. Therefore, it has been classified as a Variant of Uncertain Significance.

Fulgent Genetics
Classification: Uncertain significance for Nephronophthisis 4; Senior-Loken syndrome 4. Last evaluated: 2022-03-22. Review status: criteria provided, single submitter. Criteria: ACMG Guidelines, 2015. Collection method: clinical testing. Allele origin: unknown.

Eurofins Ntd Llc (ga)
Classification: Uncertain significance. Last evaluated: 2016-03-14. Review status: criteria provided, single submitter. Criteria: EGL Classification Definitions 2015. Collection method: clinical testing. Allele origin: germline. Observed: 1 variant allele, 1 heterozygote.